The following is an entry in ClinVar:

NM_020632.3(ATP6V0A4):c.1002T>C (p.Arg334=)

Gene: ATP6V0A4 (ATPase H+ transporting V0 subunit a4; minus strand). Cytogenetic location: 7q34.
Variant type: single nucleotide variant.
Coding change: c.1002T>C on transcript NM_020632.3 (MANE Select); coding-DNA position 1002, T replaced by C.
Protein change: p.Arg334=; no amino-acid change (arginine 334 retained).
Molecular consequence: synonymous variant.
Genome position (GRCh38, 1-based): chr7:138,752,652, A>G on the plus strand (T>C on the coding strand, the complement: ATP6V0A4 is on the minus strand). VCF-style: chr7-138752652-A-G. GRCh37 (hg19) VCF-style: chr7-138437397-A-G.
Other names: c.1002T>C, p.Arg334= (NM_130840.3, NM_130841.3).
Identifiers: ClinVar variation 733794 (VCV000733794.15), dbSNP rs774810624, ClinGen allele CA4504937.

ClinVar aggregate classification (germline): Conflicting classifications of pathogenicity. Review status: criteria provided, conflicting classifications (1 of 4 stars). 4 submissions from 4 submitters: Uncertain significance (1); Likely benign (2). 1 of the submissions does not count toward it. Last evaluated 2025-12-06.

Conditions:
ATP6V0A4-related disorder. Also called: ATP6V0A4-related condition.
Autosomal recessive distal renal tubular acidosis. Identifiers: Orphanet 402041, MedGen C1864498, MONDO:0018440.

Allele frequency attached by ClinVar (database versions not stated): ExAC 0.00006; gnomAD 0.00007; gnomAD exomes 0.00008 and 0.00015; TOPMed 0.00009.
gnomAD v4.1: 231 of 1,613,508 alleles (0.014%); highest among the groups gnomAD compares: Non-Finnish European, 0.019%; no homozygotes.

Submissions (4):

Labcorp Genetics (formerly Invitae), Labcorp
Classification: Likely benign. Last evaluated: 2025-12-06. Review status: criteria provided, single submitter. Criteria: Invitae Variant Classification Sherloc (09022015). Collection method: clinical testing. Allele origin: germline.

Blueprint Genetics
Classification: Likely benign. Last evaluated: 2024-09-18. Review status: criteria provided, single submitter. Criteria: ACMG Guidelines, 2015. Collection method: clinical testing. Allele origin: germline.

Illumina Laboratory Services, Illumina
Classification: Uncertain significance for Renal tubular acidosis, distal, 3, with or without sensorineural hearing loss. Last evaluated: 2018-01-13. Review status: criteria provided, single submitter. Criteria: ICSL Variant Classification Criteria 13 December 2019. Collection method: clinical testing. Allele origin: germline.

PreventionGenetics, part of Exact Sciences
Classification: Likely benign for ATP6V0A4-related condition. Last evaluated: 2019-10-28. Review status: no assertion criteria provided. Collection method: clinical testing. Allele origin: germline. Not counted in ClinVar's aggregate classification.
Comment: This variant is classified as likely benign based on ACMG/AMP sequence variant interpretation guidelines (Richards et al. 2015 PMID: 25741868, with internal and published modifications).